The following is an entry in ClinVar:

ClinVar aggregate classification (germline): Uncertain significance. Review status: criteria provided, multiple submitters, no conflicts (2 of 4 stars). 2 submissions from 2 submitters: Uncertain significance (2). Last evaluated 2024-02-24.

Allele frequency attached by ClinVar (database versions not stated): ExAC 0.00001; gnomAD exomes 0.00001; TOPMed 0.00001; gnomAD 0.00003.
gnomAD v4.1: 19 of 1,611,064 alleles (0.0012%); highest among the groups gnomAD compares: African/African-American, 0.0027%; no homozygotes.

Submissions (2):

Labcorp Genetics (formerly Invitae), Labcorp
Classification: Uncertain significance. Last evaluated: 2024-02-24. Review status: criteria provided, single submitter. Criteria: Invitae Variant Classification Sherloc (09022015). Collection method: clinical testing. Allele origin: germline.
Comment: The COL18A1 gene has multiple clinically relevant transcripts. This variant occurs in alternate transcript NM_030582.4, and corresponds to NM_130445.3:c.107-12215C>G in the primary transcript. This sequence change replaces threonine, which is neutral and polar, with serine, which is neutral and polar, at codon 166 of the COL18A1 protein (p.Thr166Ser). This variant is present in population databases (rs756742580, gnomAD 0.004%). This variant has not been reported in the literature in individuals affected with COL18A1-related conditions. ClinVar contains an entry for this variant (Variation ID: 1923589). Experimental studies and prediction algorithms are not available or were not evaluated, and the functional significance of this variant is currently unknown. Algorithms developed to predict the effect of sequence changes on RNA splicing suggest that this variant is not likely to affect RNA splicing. In summary, the available evidence is currently insufficient to determine the role of this variant in disease. Therefore, it has been classified as a Variant of Uncertain Significance.

Blueprint Genetics
Classification: Uncertain significance. Last evaluated: 2021-10-10. Review status: criteria provided, single submitter. Criteria: ACMG Guidelines, 2015. Collection method: clinical testing. Allele origin: germline.

NM_001379500.1(COL18A1):c.107-12215C>G

Gene: COL18A1 (collagen type XVIII alpha 1 chain; plus strand). Cytogenetic location: 21q22.3.
Variant type: single nucleotide variant.
Coding change: c.107-12215C>G on transcript NM_001379500.1 (MANE Select); 12215 bases into the intron before coding-DNA position 107, C replaced by G.
Molecular consequence: intron variant. On other transcripts: missense variant (2).
Genome position (GRCh38, 1-based): chr21:45,456,027, C>G. VCF-style: chr21-45456027-C-G. GRCh37 (hg19) VCF-style: chr21-46875941-C-G.
Other names: c.497C>G, p.Thr166Ser (NM_030582.4, NM_130444.3); short protein forms T166S.
Identifiers: ClinVar variation 1923589 (VCV001923589.6), dbSNP rs756742580, ClinGen allele CA10065492.
Genomic context (GRCh38, chr21:45,456,027, plus strand): 5'-AGACTCCTGTGGGCCCCCTTGCCCTCGCTGGGCCTTCCAGCACCCCCCAGGAGAATGGGA[C>G]CACTCTCTGGCCCAGCCGTGGCATTCCTAGCTCTCCGGGCGCCCACACAACCGAGGCTGG-3'